The following is an entry in ClinVar:

ClinVar aggregate classification (germline): Uncertain significance (1 of 4 stars; one submission).

Allele frequency attached by ClinVar (database versions not stated): gnomAD exomes below 0.00001; ExAC 0.00001; gnomAD 0.00001; TOPMed 0.00003; 1000 Genomes Project 30x 0.00016; 1000 Genomes Project 0.00020.
gnomAD v4.1: 9 of 1,612,460 alleles (0.00056%); highest among the groups gnomAD compares: African/African-American, 0.011%; no homozygotes.

Submission:

Labcorp Genetics (formerly Invitae), Labcorp
Classification: Uncertain significance. Last evaluated: 2022-06-13. Review status: criteria provided, single submitter. Criteria: Invitae Variant Classification Sherloc (09022015). Collection method: clinical testing. Allele origin: germline.
Comment: In summary, the available evidence is currently insufficient to determine the role of this variant in disease. Therefore, it has been classified as a Variant of Uncertain Significance. Algorithms developed to predict the effect of missense changes on protein structure and function (SIFT, PolyPhen-2, Align-GVGD) all suggest that this variant is likely to be tolerated. ClinVar contains an entry for this variant (Variation ID: 1042044). This variant has not been reported in the literature in individuals affected with KIAA1549-related conditions. This variant is present in population databases (rs572342171, gnomAD 0.007%). This sequence change replaces leucine, which is neutral and non-polar, with valine, which is neutral and non-polar, at codon 838 of the KIAA1549 protein (p.Leu838Val).

NM_001164665.2(KIAA1549):c.2512T>G (p.Leu838Val)

Gene: KIAA1549 (KIAA1549; minus strand). Cytogenetic location: 7q34.
Variant type: single nucleotide variant.
Coding change: c.2512T>G on transcript NM_001164665.2 (MANE Select); coding-DNA position 2512, T replaced by G.
Protein change: p.Leu838Val; replaces leucine 838 with valine.
Molecular consequence: missense variant.
Genome position (GRCh38, 1-based): chr7:138,917,114, A>C on the plus strand (T>G on the coding strand, the complement: KIAA1549 is on the minus strand). VCF-style: chr7-138917114-A-C. GRCh37 (hg19) VCF-style: chr7-138601860-A-C.
Other names: c.2512T>G, p.Leu838Val (NM_020910.3); short protein forms L838V.
Identifiers: ClinVar variation 1042044 (VCV001042044.9), dbSNP rs572342171, ClinGen allele CA4506488.
Genomic context (GRCh38, chr7:138,917,114, plus strand): 5'-GGAAGGGGGTTGCTTCAGAAACAAACGAGGATCCTGATGGCAGGTACGCGTCAGTGATCA[A>C]CACCGTACCAGTGGGAATGGCTTTGGAGAAAGAGGCCAGGACAGACACGTGACCGTCTAG-3'
Protein context (NP_001158137.1, residues 828-848): FSKAIPTGTV[Leu838Val]ITDAYLPSGS